The following is an entry in ClinVar:

ClinVar aggregate classification (germline): Likely benign (1 of 4 stars; one submission).

gnomAD v4.1: 1 of 1,613,390 alleles (0.000062%); no homozygotes.

Submission:

CeGaT Center for Human Genetics Tuebingen
Classification: Likely benign. Last evaluated: 2026-07-01. Review status: criteria provided, single submitter. Criteria: CeGaT Center For Human Genetics Tuebingen Variant Classification Criteria Version 2. Collection method: clinical testing. Allele origin: germline. Affected: yes. Observed: 1 variant allele.
Comment: NRXN1: BP4, BP7

NM_001330078.2(NRXN1):c.3365-109731A>G

Gene: NRXN1 (neurexin 1; minus strand). Cytogenetic location: 2p16.3.
Variant type: single nucleotide variant.
Coding change: c.3365-109731A>G on transcript NM_001330078.2 (MANE Select); 109731 bases into the intron before coding-DNA position 3365, A replaced by G.
Molecular consequence: intron variant. On other transcripts: synonymous variant (4).
Genome position (GRCh38, 1-based): chr2:50,346,701, T>C on the plus strand (A>G on the coding strand, the complement: NRXN1 is on the minus strand). VCF-style: chr2-50346701-T-C. GRCh37 (hg19) VCF-style: chr2-50573839-T-C.
Other names: c.249A>G, p.Arg83= (NM_001330091.2, NM_001330092.2, NM_001330097.2 and 1 more transcripts); c.3254-109731A>G (NM_001330096.2, NM_001330087.2); c.3299-109731A>G (NM_001330083.2, NM_001330084.2); c.3284-109731A>G (NM_001330088.2); c.3362-109731A>G (NM_001330093.2); c.3353-109731A>G (NM_001330094.2); c.3314-109731A>G (NM_001330095.2); c.3341-109731A>G (NM_001330082.2, NM_001330077.2); and 3 more.
Identifiers: ClinVar variation 5039251 (VCV005039251.1).
Genomic context (GRCh38, chr2:50,346,701, plus strand): 5'-AAGAGGGGAGCGAGGGGATAACCCGCGAGAACTTGGCATCGCAGACCCACCGTGTCCGCC[T>C]CGCAAGGATGCCGGTGACCTGTAGATTGCAATAGGCACTGAATGATGCTTGCTGCTGCCA-3'